The following is an entry in ClinVar:

NM_001673.5(ASNS):c.1304A>C (p.Glu435Ala)

Genes: ASNS (asparagine synthetase (glutamine-hydrolyzing); minus strand), CZ1P-ASNS (CZ1P-ASNS readthrough; minus strand). Cytogenetic location: 7q21.3.
Variant type: single nucleotide variant.
Coding change: c.1304A>C on transcript NM_001673.5 (MANE Select); coding-DNA position 1304, A replaced by C.
Protein change: p.Glu435Ala; replaces glutamic acid 435 with alanine.
Molecular consequence: missense variant. On other transcripts: non-coding transcript variant (1).
Genome position (GRCh38, 1-based): chr7:97,853,321, T>G on the plus strand (A>C on the coding strand, the complement: ASNS is on the minus strand). VCF-style: chr7-97853321-T-G. GRCh37 (hg19) VCF-style: chr7-97482633-T-G.
Other names: c.1241A>C, p.Glu414Ala (NM_001178075.2); c.1055A>C, p.Glu352Ala (NM_001178076.2, NM_001178077.1); c.1304A>C, p.Glu435Ala (NM_001352496.2, NM_133436.3, NM_183356.4); short protein forms E352A, E414A, E435A.
Identifiers: ClinVar variation 1191120 (VCV001191120.7), dbSNP rs777272935, ClinGen allele CA4354532.
Genomic context (GRCh38, chr7:97,853,321, plus strand): 5'-ATCTGATGGCAATGGACAGTTTTACCTTGAGTTGATTTACCTACCTTTGGAATTCTCATT[T>G]CTGGTGGCAGAGACAAGTAATAGGAAGAAAATCGATGATCTAGAAATGGGACTCTCAGTT-3'
Protein context (NP_001664.3, residues 425-445): FSSYYLSLPP[Glu435Ala]MRIPKNGIEK

ClinVar aggregate classification (germline): Uncertain significance. Review status: criteria provided, multiple submitters, no conflicts (2 of 4 stars). 5 submissions from 5 submitters: Uncertain significance (4). 1 of the submissions does not count toward it. Last evaluated 2024-08-30.

Conditions:
Inborn genetic diseases. Identifiers: MedGen C0950123, MeSH D030342.
Congenital microcephaly - severe encephalopathy - progressive cerebral atrophy syndrome. Also called: ASNS DEFICIENCY; Asparagine synthetase deficiency. Identifiers: Orphanet 391376, MedGen C3809971, MONDO:0014258, OMIM 615574.

Allele frequency attached by ClinVar (database versions not stated): gnomAD exomes 0.00001 and 0.00002; ExAC 0.00002; gnomAD 0.00003; TOPMed 0.00003.
gnomAD v4.1: 15 of 1,613,752 alleles (0.00093%); highest among the groups gnomAD compares: Admixed American, 0.0083%; no homozygotes.

Submissions (5):

Blueprint Genetics
Classification: Uncertain significance. Last evaluated: 2024-08-30. Review status: criteria provided, single submitter. Criteria: ACMG Guidelines, 2015. Collection method: clinical testing. Allele origin: germline.

Ambry Genetics
Classification: Uncertain significance for Inborn genetic diseases. Last evaluated: 2024-05-14. Review status: criteria provided, single submitter. Criteria: Ambry Variant Classification Scheme 2023. Collection method: clinical testing. Allele origin: germline.

Labcorp Genetics (formerly Invitae), Labcorp
Classification: Uncertain significance. Last evaluated: 2022-08-12. Review status: criteria provided, single submitter. Criteria: Invitae Variant Classification Sherloc (09022015). Collection method: clinical testing. Allele origin: germline.
Comment: This sequence change replaces glutamic acid, which is acidic and polar, with alanine, which is neutral and non-polar, at codon 435 of the ASNS protein (p.Glu435Ala). This variant is present in population databases (rs777272935, gnomAD 0.009%). This variant has not been reported in the literature in individuals affected with ASNS-related conditions. ClinVar contains an entry for this variant (Variation ID: 1191120). Advanced modeling of protein sequence and biophysical properties (such as structural, functional, and spatial information, amino acid conservation, physicochemical variation, residue mobility, and thermodynamic stability) performed at Invitae indicates that this missense variant is not expected to disrupt ASNS protein function. In summary, the available evidence is currently insufficient to determine the role of this variant in disease. Therefore, it has been classified as a Variant of Uncertain Significance.

GeneDx
Classification: Uncertain significance. Last evaluated: 2019-07-30. Review status: criteria provided, single submitter. Criteria: GeneDx Variant Classification Process June 2021. Collection method: clinical testing. Allele origin: germline. Affected: yes.
Comment: Not observed at a significant frequency in large population cohorts (Lek et al., 2016); In silico analysis, which includes protein predictors and evolutionary conservation, supports a deleterious effect; Has not been previously published as pathogenic or benign to our knowledge

Natera, Inc.
Classification: Uncertain significance for Asparagine synthetase deficiency. Last evaluated: 2020-08-10. Review status: no assertion criteria provided. Collection method: clinical testing. Allele origin: germline. Not counted in ClinVar's aggregate classification.